The following is an entry in ClinVar:

NM_001105206.3(LAMA4):c.3317A>G (p.Tyr1106Cys)

Gene: LAMA4 (laminin subunit alpha 4; minus strand). Cytogenetic location: 6q21.
Variant type: single nucleotide variant.
Coding change: c.3317A>G on transcript NM_001105206.3 (MANE Select); coding-DNA position 3317, A replaced by G.
Protein change: p.Tyr1106Cys; replaces tyrosine 1106 with cysteine.
Molecular consequence: missense variant.
Genome position (GRCh38, 1-based): chr6:112,136,220, T>C on the plus strand (A>G on the coding strand, the complement: LAMA4 is on the minus strand). VCF-style: chr6-112136220-T-C. GRCh37 (hg19) VCF-style: chr6-112457422-T-C.
Other names: c.3296A>G, p.Tyr1099Cys (NM_001105207.3, NM_002290.5); short protein forms Y1106C, Y1099C.
Identifiers: ClinVar variation 1729884 (VCV001729884.5), dbSNP rs782096689, ClinGen allele CA3965244.

ClinVar aggregate classification (germline): Uncertain significance. Review status: criteria provided, multiple submitters, no conflicts (2 of 4 stars). 2 submissions from 2 submitters: Uncertain significance (2). Last evaluated 2025-12-26.

Conditions:
Cardiovascular phenotype. Identifiers: MedGen CN230736.
Dilated cardiomyopathy 1JJ (CMD1JJ). Identifiers: Orphanet 154, MedGen C3808935, MONDO:0014095, OMIM 615235.

Allele frequency attached by ClinVar (database versions not stated): ExAC 0.00002; TOPMed 0.00004; gnomAD exomes below 0.00001; gnomAD 0.00004.
gnomAD v4.1: 9 of 1,611,876 alleles (0.00056%); highest among the groups gnomAD compares: African/African-American, 0.011%; no homozygotes.

Submissions (2):

Labcorp Genetics (formerly Invitae), Labcorp
Classification: Uncertain significance for Dilated cardiomyopathy 1JJ. Last evaluated: 2025-12-26. Review status: criteria provided, single submitter. Criteria: Invitae Variant Classification Sherloc (09022015). Collection method: clinical testing. Allele origin: germline.
Comment: This sequence change replaces tyrosine, which is neutral and polar, with cysteine, which is neutral and slightly polar, at codon 1099 of the LAMA4 protein (p.Tyr1099Cys). This variant is present in population databases (rs782096689, gnomAD 0.03%). This variant has not been reported in the literature in individuals affected with LAMA4-related conditions. ClinVar contains an entry for this variant (Variation ID: 1729884). Invitae Evidence Modeling of protein sequence and biophysical properties (such as structural, functional, and spatial information, amino acid conservation, physicochemical variation, residue mobility, and thermodynamic stability) indicates that this missense variant is not expected to disrupt LAMA4 protein function with a negative predictive value of 80%. In summary, the available evidence is currently insufficient to determine the role of this variant in disease. Therefore, it has been classified as a Variant of Uncertain Significance.

Ambry Genetics
Classification: Uncertain significance for Cardiovascular phenotype. Last evaluated: 2024-03-11. Review status: criteria provided, single submitter. Criteria: Ambry Variant Classification Scheme 2023. Collection method: clinical testing. Allele origin: germline.
Comment: The p.Y1099C variant (also known as c.3296A>G), located in coding exon 24 of the LAMA4 gene, results from an A to G substitution at nucleotide position 3296. The tyrosine at codon 1099 is replaced by cysteine, an amino acid with highly dissimilar properties. This amino acid position is not well conserved in available vertebrate species. In addition, the in silico prediction for this alteration is inconclusive. The evidence for this gene-disease relationship is limited; therefore, the clinical significance of this alteration is unclear.